The following is an entry in ClinVar:

NM_000553.6(WRN):c.110A>G (p.Lys37Arg)

Gene: WRN (WRN RecQ like helicase; plus strand). Cytogenetic location: 8p12.
Variant type: single nucleotide variant.
Coding change: c.110A>G on transcript NM_000553.6 (MANE Select); coding-DNA position 110, A replaced by G.
Protein change: p.Lys37Arg; replaces lysine 37 with arginine.
Molecular consequence: missense variant.
Genome position (GRCh38, 1-based): chr8:31,059,166, A>G. VCF-style: chr8-31059166-A-G. GRCh37 (hg19) VCF-style: chr8-30916682-A-G.
Other names: short protein forms K37R.
Identifiers: ClinVar variation 1042964 (VCV001042964.3), dbSNP rs1812387242, ClinGen allele CA370912343.
Genomic context (GRCh38, chr8:31,059,166, plus strand): 5'-TATTTGATGTGAACTTTGTGCCTGTTTTGAAATTTACTAAACTCAAGGCATGTGTTCGGA[A>G]GAGTGTTTTTGAAGATGACCTCCCCTTCTTAGAATTCACTGGATCCATTGTGTATAGTTA-3'
Protein context (NP_000544.2, residues 27-47): AVEERKACVR[Lys37Arg]SVFEDDLPFL

ClinVar aggregate classification (germline): Uncertain significance (1 of 4 stars; one submission).

Conditions:
Werner syndrome (WRN). Identifiers: Orphanet 902, MedGen C0043119, MONDO:0010196, OMIM 277700.

Submission:

Labcorp Genetics (formerly Invitae), Labcorp
Classification: Uncertain significance for Werner syndrome. Last evaluated: 2025-11-03. Review status: criteria provided, single submitter. Criteria: Invitae Variant Classification Sherloc (09022015). Collection method: clinical testing. Allele origin: germline.
Comment: This sequence change replaces lysine, which is basic and polar, with arginine, which is basic and polar, at codon 37 of the WRN protein (p.Lys37Arg). This variant is not present in population databases (gnomAD no frequency). This variant has not been reported in the literature in individuals affected with WRN-related conditions. ClinVar contains an entry for this variant (Variation ID: 1042964). An algorithm developed to predict the effect of missense changes on protein structure and function outputs the following: PolyPhen-2: "Benign". The arginine amino acid residue is found in multiple mammalian species, which suggests that this missense change does not adversely affect protein function. In summary, the available evidence is currently insufficient to determine the role of this variant in disease. Therefore, it has been classified as a Variant of Uncertain Significance.